The following is an entry in ClinVar:

ClinVar aggregate classification (germline): Uncertain significance (1 of 4 stars; one submission).

Submission:

Ambry Genetics
Classification: Uncertain significance. Last evaluated: 2021-09-17. Review status: criteria provided, single submitter. Criteria: Ambry Variant Classification Scheme 2023. Collection method: clinical testing. Allele origin: germline.
Comment: The p.R456T variant (also known as c.1367G>C), located in coding exon 13 of the NPAT gene, results from a G to C substitution at nucleotide position 1367. The arginine at codon 456 is replaced by threonine, an amino acid with similar properties. This amino acid position is conserved. In addition, this alteration is predicted to be tolerated by in silico analysis. Since supporting evidence is limited at this time, the clinical significance of this alteration remains unclear.

NM_002519.3(NPAT):c.1367G>C (p.Arg456Thr)

Gene: NPAT (nuclear protein, coactivator of histone transcription; minus strand). Cytogenetic location: 11q22.3.
Variant type: single nucleotide variant.
Coding change: c.1367G>C on transcript NM_002519.3 (MANE Select); coding-DNA position 1367, G replaced by C.
Protein change: p.Arg456Thr; replaces arginine 456 with threonine.
Molecular consequence: missense variant.
Genome position (GRCh38, 1-based): chr11:108,173,617, C>G on the plus strand (G>C on the coding strand, the complement: NPAT is on the minus strand). VCF-style: chr11-108173617-C-G. GRCh37 (hg19) VCF-style: chr11-108044344-C-G.
Other names: c.1367G>C, p.Arg456Thr (NM_001321307.1); short protein forms R456T.
Identifiers: ClinVar variation 1770954 (VCV001770954.2), dbSNP rs2496721584, ClinGen allele CA382515460.